The following is an entry in ClinVar:

ClinVar aggregate classification (germline): Uncertain significance. Review status: criteria provided, multiple submitters, no conflicts (2 of 4 stars). 2 submissions from 2 submitters: Uncertain significance (2). Last evaluated 2024-11-28.

Conditions:
Hereditary cancer-predisposing syndrome. Also called: Hereditary neoplastic syndrome; Neoplastic Syndromes, Hereditary; Tumor predisposition; Hereditary Cancer Syndrome. Identifiers: Orphanet 140162, MedGen C0027672, MeSH D009386, MONDO:0015356.
Ataxia-telangiectasia syndrome (AT). Also called: Ataxia telangiectasia (A-T); LOUIS-BAR SYNDROME; Cerebello-oculocutaneous telangiectasia; Immunodeficiency with ataxia telangiectasia; Ataxia-telangiectasia, complementation group D; AT, COMPLEMENTATION GROUP C. Identifiers: Orphanet 100, MedGen C0004135, MONDO:0008840, OMIM 208900.

Allele frequency attached by ClinVar (database versions not stated): gnomAD exomes below 0.00001.
gnomAD v4.1: 2 of 1,613,754 alleles (0.00012%); highest among the groups gnomAD compares: Non-Finnish European, 0.00017%; no homozygotes.

Submissions (2):

Labcorp Genetics (formerly Invitae), Labcorp
Classification: Uncertain significance for Ataxia-telangiectasia syndrome. Last evaluated: 2024-11-28. Review status: criteria provided, single submitter. Criteria: Invitae Variant Classification Sherloc (09022015). Collection method: clinical testing. Allele origin: germline.
Comment: This sequence change replaces valine, which is neutral and non-polar, with alanine, which is neutral and non-polar, at codon 2856 of the ATM protein (p.Val2856Ala). This variant is not present in population databases (gnomAD no frequency). This variant has not been reported in the literature in individuals affected with ATM-related conditions. ClinVar contains an entry for this variant (Variation ID: 1763876). Invitae Evidence Modeling of protein sequence and biophysical properties (such as structural, functional, and spatial information, amino acid conservation, physicochemical variation, residue mobility, and thermodynamic stability) has been performed for this missense variant. However, the output from this modeling did not meet the statistical confidence thresholds required to predict the impact of this variant on ATM protein function. In summary, the available evidence is currently insufficient to determine the role of this variant in disease. Therefore, it has been classified as a Variant of Uncertain Significance.

Ambry Genetics
Classification: Uncertain significance for Hereditary cancer-predisposing syndrome. Last evaluated: 2023-04-28. Review status: criteria provided, single submitter. Criteria: Ambry Variant Classification Scheme 2023. Collection method: clinical testing. Allele origin: germline.
Comment: The p.V2856A variant (also known as c.8567T>C), located in coding exon 57 of the ATM gene, results from a T to C substitution at nucleotide position 8567. The valine at codon 2856 is replaced by alanine, an amino acid with similar properties. This amino acid position is highly conserved in available vertebrate species. In addition, this alteration is predicted to be deleterious by in silico analysis. Since supporting evidence is limited at this time, the clinical significance of this alteration remains unclear.

NM_000051.4(ATM):c.8567T>C (p.Val2856Ala)

Genes: ATM (ATM serine/threonine kinase; plus strand), C11orf65 (chromosome 11 open reading frame 65; minus strand). Cytogenetic location: 11q22.3.
Variant type: single nucleotide variant.
Coding change: c.8567T>C on transcript NM_000051.4 (MANE Select); coding-DNA position 8567, T replaced by C.
Protein change: p.Val2856Ala; replaces valine 2856 with alanine.
Molecular consequence: missense variant. On other transcripts: intron variant (2).
Genome position (GRCh38, 1-based): chr11:108,345,891, T>C. VCF-style: chr11-108345891-T-C. GRCh37 (hg19) VCF-style: chr11-108216618-T-C.
Other names: c.8567T>C, p.Val2856Ala (NM_001351834.2); c.641-36820A>G (NM_001330368.2); c.695-10599A>G (NM_001351110.2); short protein forms V2856A.
Identifiers: ClinVar variation 1763876 (VCV001763876.6), dbSNP rs1060501649, ClinGen allele CA382518664.
Genomic context (GRCh38, chr11:108,345,891, plus strand): 5'-TGGAAAAATTCTTGGATCCAGCTATTTGGTTTGAGAAGCGATTGGCTTATACGCGCAGTG[T>C]AGCTACTTCTTCTATTGGTAATCTTCTTGTACATATAGTAGATTGAGCACTTTGTTGTTT-3'
Protein context (NP_000042.3, residues 2846-2866): FEKRLAYTRS[Val2856Ala]ATSSIVGYIL